The following is an entry in ClinVar:

ClinVar aggregate classification (germline): Uncertain significance. Review status: criteria provided, multiple submitters, no conflicts (2 of 4 stars). 2 submissions from 2 submitters: Uncertain significance (2). Last evaluated 2023-10-09.

Conditions:
Sialuria. Also called: SIALURIA, FRENCH TYPE; Sialic Acid Storage Disease. Identifiers: Orphanet 3166, MedGen C0342853, MONDO:0010028, OMIM 269921.
GNE myopathy (NM). Also called: NONAKA DISTAL MYOPATHY; INCLUSION BODY MYOPATHY 2, AUTOSOMAL RECESSIVE; IBM 2; Inclusion body myopathy autosomal recessive; Inclusion body myopathy quadriceps sparing; MYOPATHY, DISTAL, WITH OR WITHOUT RIMMED VACUOLES. Identifiers: Orphanet 602, MedGen C1853926, MONDO:0011603, OMIM 605820.

Allele frequency attached by ClinVar (database versions not stated): gnomAD 0.00001; gnomAD exomes 0.00001; TOPMed 0.00001; ExAC 0.00002.
gnomAD v4.1: 11 of 1,613,878 alleles (0.00068%); highest among the groups gnomAD compares: East Asian, 0.0045%; no homozygotes.

Submissions (2):

Revvity Omics, Revvity
Classification: Uncertain significance. Last evaluated: 2023-10-09. Review status: criteria provided, single submitter. Criteria: ACMG Guidelines, 2015. Collection method: clinical testing. Allele origin: germline.

Labcorp Genetics (formerly Invitae), Labcorp
Classification: Uncertain significance for Sialuria; GNE myopathy. Last evaluated: 2022-08-31. Review status: criteria provided, single submitter. Criteria: Invitae Variant Classification Sherloc (09022015). Collection method: clinical testing. Allele origin: germline.
Comment: This sequence change replaces arginine, which is basic and polar, with histidine, which is basic and polar, at codon 715 of the GNE protein (p.Arg715His). This variant is present in population databases (rs549097855, gnomAD 0.01%). This variant has not been reported in the literature in individuals affected with GNE-related conditions. Advanced modeling of protein sequence and biophysical properties (such as structural, functional, and spatial information, amino acid conservation, physicochemical variation, residue mobility, and thermodynamic stability) performed at Invitae indicates that this missense variant is not expected to disrupt GNE protein function. In summary, the available evidence is currently insufficient to determine the role of this variant in disease. Therefore, it has been classified as a Variant of Uncertain Significance.

NM_005476.7(GNE):c.2051G>A (p.Arg684His)

Gene: GNE (glucosamine (UDP-N-acetyl)-2-epimerase/N-acetylmannosamine kinase; minus strand). Cytogenetic location: 9p13.3.
Variant type: single nucleotide variant.
Coding change: c.2051G>A on transcript NM_005476.7 (MANE Select); coding-DNA position 2051, G replaced by A.
Protein change: p.Arg684His; replaces arginine 684 with histidine.
Molecular consequence: missense variant.
Genome position (GRCh38, 1-based): chr9:36,217,483, C>T on the plus strand (G>A on the coding strand, the complement: GNE is on the minus strand). VCF-style: chr9-36217483-C-T. GRCh37 (hg19) VCF-style: chr9-36217480-C-T.
Other names: c.2144G>A, p.Arg715His (NM_001128227.3); c.1829G>A, p.Arg610His (NM_001190383.3); c.1721G>A, p.Arg574His (NM_001190384.3); c.1874G>A, p.Arg625His (NM_001190388.2, NM_001374798.1); c.1898G>A, p.Arg633His (NM_001374797.1); short protein forms R684H, R625H, R574H, R610H, R715H, R633H.
Identifiers: ClinVar variation 2042305 (VCV002042305.2), dbSNP rs549097855, ClinGen allele CA5056361.
Genomic context (GRCh38, chr9:36,217,483, plus strand): 5'-GGGTCAACCAAATCCGAAACCACCACATCCACGTCCTGCACGGAGGACAAGGCCTGCTGG[C>T]GAATGACGTCTTTGACAATGTGGATATAGTGACTGGCCAGGACTCCGGAGAGGATCACAA-3'
Protein context (NP_005467.1, residues 674-694): HYIHIVKDVI[Arg684His]QQALSSVQDV